The following is an entry in ClinVar:

ClinVar aggregate classification (germline): Uncertain significance (1 of 4 stars; one submission).

Conditions:
Facioscapulohumeral muscular dystrophy 2 (FSHD2). Also called: MUSCULAR DYSTROPHY, FACIOSCAPULOHUMERAL, TYPE 1B; FACIOSCAPULOHUMERAL MUSCULAR DYSTROPHY 2, DIGENIC; FSHD2, DIGENIC. Identifiers: Orphanet 269, MedGen C1834671, MONDO:0008031, OMIM 158901.

Allele frequency attached by ClinVar (database versions not stated): gnomAD exomes below 0.00001.

Submission:

Labcorp Genetics (formerly Invitae), Labcorp
Classification: Uncertain significance for Facioscapulohumeral muscular dystrophy 2. Last evaluated: 2024-05-27. Review status: criteria provided, single submitter. Criteria: Invitae Variant Classification Sherloc (09022015). Collection method: clinical testing. Allele origin: germline.
Comment: This sequence change replaces methionine, which is neutral and non-polar, with valine, which is neutral and non-polar, at codon 1938 of the SMCHD1 protein (p.Met1938Val). This variant is not present in population databases (gnomAD no frequency). This variant has not been reported in the literature in individuals affected with SMCHD1-related conditions. ClinVar contains an entry for this variant (Variation ID: 653934). Advanced modeling of protein sequence and biophysical properties (such as structural, functional, and spatial information, amino acid conservation, physicochemical variation, residue mobility, and thermodynamic stability) performed at Invitae indicates that this missense variant is not expected to disrupt SMCHD1 protein function with a negative predictive value of 80%. In summary, the available evidence is currently insufficient to determine the role of this variant in disease. Therefore, it has been classified as a Variant of Uncertain Significance.

NM_015295.3(SMCHD1):c.5812A>G (p.Met1938Val)

Gene: SMCHD1 (structural maintenance of chromosomes flexible hinge domain containing 1; plus strand). Cytogenetic location: 18p11.32.
Variant type: single nucleotide variant.
Coding change: c.5812A>G on transcript NM_015295.3 (MANE Select); coding-DNA position 5812, A replaced by G.
Protein change: p.Met1938Val; replaces methionine 1938 with valine.
Molecular consequence: missense variant.
Genome position (GRCh38, 1-based): chr18:2,796,041, A>G. VCF-style: chr18-2796041-A-G. GRCh37 (hg19) VCF-style: chr18-2796039-A-G.
Other names: short protein forms M1938V.
Identifiers: ClinVar variation 653934 (VCV000653934.8), dbSNP rs1598460238, ClinGen allele CA401690964.